The following is an entry in ClinVar:

NM_001267550.2(TTN):c.81144del (p.Phe27048fs)

Genes: TTN-AS1 (TTN antisense RNA 1; plus strand), TTN (titin; minus strand). Cytogenetic location: 2q31.2.
Variant type: Deletion.
Coding change: c.81144del on transcript NM_001267550.2 (MANE Select); coding-DNA position 81144, one base deleted (T; older notation c.81144delT).
Protein change: p.Phe27048fs; shifts the reading frame from phenylalanine 27048.
Molecular consequence: frameshift variant.
Genome position (GRCh38, 1-based): chr2:178,564,988, A deleted on the plus strand (T on the coding strand, the reverse complement: TTN is on the minus strand); the first of 5 consecutive A bases (chr2:178,564,988-178,564,992); deleting any one gives the same sequence. VCF-style (leftmost placement, unchanged base first): chr2-178564987-CA-C. GRCh37 (hg19) VCF-style: chr2-179429714-CA-C.
Other names: c.76221del, p.Phe25407fs (NM_001256850.1); c.53949del, p.Phe17983fs (NM_003319.4); c.73440del, p.Phe24480fs (NM_133378.4); c.54324del, p.Phe18108fs (NM_133432.3); c.54525del, p.Phe18175fs (NM_133437.4); short protein forms F17983fs, F18108fs, F18175fs, F24480fs, F25407fs, F27048fs.
Identifiers: ClinVar variation 3759724 (VCV003759724.2).

ClinVar aggregate classification (germline): Likely pathogenic (1 of 4 stars; one submission).

Conditions:
Dilated cardiomyopathy 1G (CMD1G). Identifiers: Orphanet 154, MedGen C1858763, MONDO:0011400, OMIM 604145.
Autosomal recessive limb-girdle muscular dystrophy type 2J (LGMDR10). Also called: Limb-girdle muscular dystrophy, type 2J; MUSCULAR DYSTROPHY, LIMB-GIRDLE, AUTOSOMAL RECESSIVE 10. Identifiers: Orphanet 140922, MedGen C1837342, MONDO:0012127, OMIM 608807.

Submission:

Labcorp Genetics (formerly Invitae), Labcorp
Classification: Likely pathogenic for Dilated cardiomyopathy 1G; Autosomal recessive limb-girdle muscular dystrophy type 2J. Last evaluated: 2025-08-29. Review status: criteria provided, single submitter. Criteria: Invitae Variant Classification Sherloc (09022015). Collection method: clinical testing. Allele origin: germline.
Comment: This sequence change creates a premature translational stop signal (p.Phe27048Leufs*34) in the TTN gene. While this is not anticipated to result in nonsense mediated decay, it is expected to create a truncated TTN protein. This variant is not present in population databases (gnomAD no frequency). This variant has not been reported in the literature in individuals affected with TTN-related conditions. ClinVar contains an entry for this variant (Variation ID: 3759724). This variant is located in the A band of TTN (PMID: 25589632). Truncating variants in this region are significantly overrepresented in patients affected with dilated cardiomyopathy (PMID: 25589632). Truncating variants in this region have also been reported in individuals affected with autosomal recessive centronuclear myopathy (PMID: 23975875). In summary, the currently available evidence indicates that the variant is pathogenic, but additional data are needed to prove that conclusively. Therefore, this variant has been classified as Likely Pathogenic.

Literature cited by the submitters: PubMed 25589632; PubMed 23975875.